The following is an entry in ClinVar:

ClinVar aggregate classification (germline): Uncertain significance (1 of 4 stars; one submission).

Submission:

Labcorp Genetics (formerly Invitae), Labcorp
Classification: Uncertain significance. Last evaluated: 2022-12-07. Review status: criteria provided, single submitter. Criteria: Invitae Variant Classification Sherloc (09022015). Collection method: clinical testing. Allele origin: germline.
Comment: In summary, the available evidence is currently insufficient to determine the role of this variant in disease. Therefore, it has been classified as a Variant of Uncertain Significance. Variants that disrupt the consensus splice site are a relatively common cause of aberrant splicing (PMID: 17576681, 9536098). Algorithms developed to predict the effect of sequence changes on RNA splicing suggest that this variant may disrupt the consensus splice site. This variant has not been reported in the literature in individuals affected with TRPC6-related conditions. This variant is not present in population databases (gnomAD no frequency). This sequence change falls in intron 8 of the TRPC6 gene. It does not directly change the encoded amino acid sequence of the TRPC6 protein. It affects a nucleotide within the consensus splice site.

Literature cited by the submitters: PubMed 17576681; PubMed 9536098.

NM_004621.6(TRPC6):c.2205+3A>C

Gene: TRPC6 (transient receptor potential cation channel subfamily C member 6; minus strand). Cytogenetic location: 11q22.1.
Variant type: single nucleotide variant.
Coding change: c.2205+3A>C on transcript NM_004621.6 (MANE Select); 3 bases into the intron after coding-DNA position 2205, A replaced by C.
Molecular consequence: intron variant.
Genome position (GRCh38, 1-based): chr11:101,472,134, T>G on the plus strand (A>C on the coding strand, the complement: TRPC6 is on the minus strand). VCF-style: chr11-101472134-T-G. GRCh37 (hg19) VCF-style: chr11-101342865-T-G.
Identifiers: ClinVar variation 2819105 (VCV002819105.3), dbSNP rs1859306782, ClinGen allele CA2739270874.